The following is an entry in ClinVar:

NM_004114.5(FGF13):c.254C>T (p.Ala85Val)

Gene: FGF13 (fibroblast growth factor 13; minus strand). Cytogenetic location: Xq26.3.
Variant type: single nucleotide variant.
Coding change: c.254C>T on transcript NM_004114.5 (MANE Select); coding-DNA position 254, C replaced by T.
Protein change: p.Ala85Val; replaces alanine 85 with valine.
Molecular consequence: missense variant.
Genome position (GRCh38, 1-based): chrX:138,708,862, G>A on the plus strand (C>T on the coding strand, the complement: FGF13 is on the minus strand). VCF-style: chrX-138708862-G-A. GRCh37 (hg19) VCF-style: chrX-137791024-G-A.
Other names: NC_000023.10:g.137791024G>A; c.116C>T, p.Ala39Val (NM_001139498.2); c.284C>T, p.Ala95Val (NM_001139500.2); c.197C>T, p.Ala66Val (NM_001139501.2, NM_001139502.2); c.95C>T, p.Ala32Val (NM_033642.3); short protein forms A32V, A39V, A66V, A85V, A95V.
Identifiers: ClinVar variation 3896596 (VCV003896596.3).

ClinVar aggregate classification (germline): Uncertain significance (1 of 4 stars; one submission).

gnomAD v4.1: 14 of 1,208,307 alleles (0.0012%); highest among the groups gnomAD compares: East Asian, 0.003%; no homozygotes.

Submissions (3):

Women's Health and Genetics/Laboratory Corporation of America, LabCorp
Classification: Uncertain significance. Last evaluated: 2025-04-28. Review status: criteria provided, single submitter. Criteria: LabCorp Variant Classification Summary - May 2015. Collection method: clinical testing. Allele origin: germline.
Comment: Variant summary: FGF13 c.254C>T (p.Ala85Val) results in a non-conservative amino acid change in the encoded protein sequence. Three of five in-silico tools predict a damaging effect of the variant on protein function. The variant was absent in 182431 control chromosomes. The available data on variant occurrences in the general population are insufficient to allow any conclusion about variant significance. To our knowledge, no occurrence of c.254C>T in individuals affected with FGF13-Related Disorders and no experimental evidence demonstrating its impact on protein function have been reported. No submitters have cited clinical-significance assessments for this variant to ClinVar. Based on the evidence outlined above, the variant was classified as uncertain significance.

Dr. Peter K. Rogan Lab, Western University
No classification provided (evidence only). Condition: Thyroid cancer, nonmedullary, 1. Review status: no classification provided. Collection method: in vitro. Allele origin: not applicable. Functional consequence: retained intron. Not counted in ClinVar's aggregate classification.

Dr. Peter K. Rogan Lab, Western University
No classification provided (evidence only). Condition: Thyroid cancer, nonmedullary, 1. Review status: no classification provided. Collection method: in vitro. Allele origin: not applicable. Functional consequence: retained intron. Not counted in ClinVar's aggregate classification.